The following is an entry in ClinVar:

ClinVar aggregate classification (germline): Uncertain significance (1 of 4 stars; one submission).

gnomAD v4.1: 2 of 1,613,802 alleles (0.00012%); highest among the groups gnomAD compares: East Asian, 0.0022%; no homozygotes.

Submission:

GeneDx
Classification: Uncertain significance. Last evaluated: 2023-06-14. Review status: criteria provided, single submitter. Criteria: GeneDx Variant Classification Process June 2021. Collection method: clinical testing. Allele origin: germline. Affected: yes.
Comment: Canonical splice site variant predicted to result in a null allele in a gene for which loss of function is a known mechanism of disease; Has not been previously published as pathogenic or benign to our knowledge

NM_015378.4(VPS13D):c.9679+1G>T

Gene: VPS13D (vacuolar protein sorting 13 homolog D; plus strand). Cytogenetic location: 1p36.22.
Variant type: single nucleotide variant.
Coding change: c.9679+1G>T on transcript NM_015378.4 (MANE Select); the canonical splice donor site of the intron after coding-DNA position 9679, G replaced by T.
Molecular consequence: splice donor variant.
Genome position (GRCh38, 1-based): chr1:12,354,222, G>T. VCF-style: chr1-12354222-G-T. GRCh37 (hg19) VCF-style: chr1-12414279-G-T.
Other names: c.9604+1G>T (NM_018156.4).
Identifiers: ClinVar variation 3359909 (VCV003359909.1).
Genomic context (GRCh38, chr1:12,354,222, plus strand): 5'-TGAAACCTGGCAAGGAGGCAGCTCTCCATACAGCTGATACATCCCAGAACATTGAGCTGG[G>T]TAAGAATGTAGTCAGATGATCATTTGTCATAATCCTATGAAAATATCAATGAGTATTTTG-3'